The following is an entry in ClinVar:

ClinVar aggregate classification (germline): Uncertain significance. Review status: criteria provided, multiple submitters, no conflicts (2 of 4 stars). 2 submissions from 2 submitters: Uncertain significance (2). Last evaluated 2022-02-24.

Allele frequency attached by ClinVar (database versions not stated): TOPMed below 0.00001.

Submissions (2):

Labcorp Genetics (formerly Invitae), Labcorp
Classification: Uncertain significance. Last evaluated: 2022-02-24. Review status: criteria provided, single submitter. Criteria: Invitae Variant Classification Sherloc (09022015). Collection method: clinical testing. Allele origin: germline.
Comment: This variant has not been reported in the literature in individuals affected with IMPDH1-related conditions. In summary, the available evidence is currently insufficient to determine the role of this variant in disease. Therefore, it has been classified as a Variant of Uncertain Significance. Algorithms developed to predict the effect of missense changes on protein structure and function are either unavailable or do not agree on the potential impact of this missense change (SIFT: "Deleterious"; PolyPhen-2: "Not Available"; Align-GVGD: "Class C0"). This variant is present in population databases (no rsID available, gnomAD 0.09%). This sequence change replaces alanine, which is neutral and non-polar, with glycine, which is neutral and non-polar, at codon 17 of the IMPDH1 protein (p.Ala17Gly).

GeneDx
Classification: Uncertain significance. Last evaluated: 2022-01-21. Review status: criteria provided, single submitter. Criteria: GeneDx Variant Classification Process June 2021. Collection method: clinical testing. Allele origin: germline. Affected: yes.
Comment: Has not been previously published as pathogenic or benign to our knowledge; Not observed at significant frequency in large population cohorts (gnomAD); In silico analysis supports that this missense variant does not alter protein structure/function

NM_000883.4(IMPDH1):c.50C>G (p.Ala17Gly)

Genes: IMPDH1 (inosine monophosphate dehydrogenase 1; minus strand), LOC129999258 (ATAC-STARR-seq lymphoblastoid silent region 18606; plus strand). Cytogenetic location: 7q32.1.
Variant type: single nucleotide variant.
Coding change: c.50C>G on transcript NM_000883.4 (MANE Select); coding-DNA position 50, C replaced by G.
Protein change: p.Ala17Gly; replaces alanine 17 with glycine.
Molecular consequence: missense variant.
Genome position (GRCh38, 1-based): chr7:128,409,852, G>C on the plus strand (C>G on the coding strand, the complement: IMPDH1 is on the minus strand). VCF-style: chr7-128409852-G-C. GRCh37 (hg19) VCF-style: chr7-128049906-G-C.
Other names: c.50C>G, p.Ala17Gly (NM_001102605.2, NM_001142576.2, NM_001304521.2 and 1 more transcripts); short protein forms A17G.
Identifiers: ClinVar variation 1397454 (VCV001397454.9), dbSNP rs1459368145, ClinGen allele CA369182324.